The following is an entry in ClinVar:

NM_002351.5(SH2D1A):c.118G>A (p.Val40Met)

Gene: SH2D1A (SH2 domain containing 1A; plus strand). Cytogenetic location: Xq25.
Variant type: single nucleotide variant.
Coding change: c.118G>A on transcript NM_002351.5 (MANE Select); coding-DNA position 118, G replaced by A.
Protein change: p.Val40Met; replaces valine 40 with methionine.
Molecular consequence: missense variant.
Genome position (GRCh38, 1-based): chrX:124,346,760, G>A. VCF-style: chrX-124346760-G-A. GRCh37 (hg19) VCF-style: chrX-123480610-G-A.
Other names: c.118G>A, p.Val40Met (NM_001114937.3); short protein forms V40M.
Identifiers: ClinVar variation 952469 (VCV000952469.11), dbSNP rs199639961, ClinGen allele CA10509247.

ClinVar aggregate classification (germline): Uncertain significance. Review status: criteria provided, multiple submitters, no conflicts (2 of 4 stars). 4 submissions from 4 submitters: Uncertain significance (4). Last evaluated 2024-11-02.

Conditions:
Inborn genetic diseases. Identifiers: MedGen C0950123, MeSH D030342.
X-linked lymphoproliferative disease due to SH2D1A deficiency (XLP1). Also called: IMMUNODEFICIENCY 5; IMMUNODEFICIENCY, X-LINKED PROGRESSIVE COMBINED VARIABLE; INFECTIOUS MONONUCLEOSIS, SEVERE, SUSCEPTIBILITY TO; PURTILO SYNDROME; SH2D1A-Related Lymphoproliferative Disease, X-Linked; Duncan's syndrome. Identifiers: Orphanet 2442, Orphanet 538931, MedGen C5399825, MONDO:0024551, OMIM 308240.

Allele frequency attached by ClinVar (database versions not stated): ExAC 0.00005; gnomAD exomes 0.00005 and 0.00021; TOPMed 0.00006; gnomAD 0.00008 and 0.00009.
gnomAD v4.1: 243 of 1,210,119 alleles (0.02%); highest among the groups gnomAD compares: Non-Finnish European, 0.026%; no homozygotes.

Submissions (4):

Labcorp Genetics (formerly Invitae), Labcorp
Classification: Uncertain significance for X-linked lymphoproliferative disease due to SH2D1A deficiency. Last evaluated: 2024-11-02. Review status: criteria provided, single submitter. Criteria: Invitae Variant Classification Sherloc (09022015). Collection method: clinical testing. Allele origin: germline.
Comment: This sequence change replaces valine, which is neutral and non-polar, with methionine, which is neutral and non-polar, at codon 40 of the SH2D1A protein (p.Val40Met). This variant is present in population databases (rs199639961, gnomAD 0.01%), including at least one homozygous and/or hemizygous individual. This variant has not been reported in the literature in individuals affected with SH2D1A-related conditions. ClinVar contains an entry for this variant (Variation ID: 952469). An algorithm developed to predict the effect of missense changes on protein structure and function (PolyPhen-2) suggests that this variant¬†is likely to be tolerated. In summary, the available evidence is currently insufficient to determine the role of this variant in disease. Therefore, it has been classified as a Variant of Uncertain Significance.

Ambry Genetics
Classification: Uncertain significance for Inborn genetic diseases. Last evaluated: 2024-09-07. Review status: criteria provided, single submitter. Criteria: Ambry Variant Classification Scheme 2023. Collection method: clinical testing. Allele origin: germline.

St. Jude Molecular Pathology, St. Jude Children's Research Hospital
Classification: Uncertain significance for X-linked lymphoproliferative disease due to SH2D1A deficiency. Last evaluated: 2024-09-06. Review status: criteria provided, single submitter. Criteria: St. Jude Assertion Criteria 2020. Collection method: clinical testing. Allele origin: germline.
Comment: The SH2D1A c.118G>A (p.Val40Met) missense change has a maximum subpopulation frequency of 0.012% in gnomAD v2.1.1. The in silico tool REVEL is inconclusive about a pathogenic or benign effect of this variant on protein function, and to our knowledge functional studies have not been performed. To our knowledge, this variant has not been reported in individuals with X-linked lymphoproliferative disease. In summary, the evidence currently available is insufficient to determine the clinical significance of this variant. It has therefore been classified as of uncertain significance.

Department of Pathology and Laboratory Medicine, Sinai Health System
Classification: Uncertain significance for X-linked lymphoproliferative disease due to SH2D1A deficiency. Last evaluated: 2021-07-30. Review status: criteria provided, single submitter. Criteria: ACMG Guidelines, 2015. Collection method: research. Allele origin: germline.